The following is an entry in ClinVar:

NM_001002294.3(FMO3):c.859G>T (p.Glu287Ter)

Gene: FMO3 (flavin containing dimethylaniline monoxygenase 3; plus strand). Cytogenetic location: 1q24.3.
Variant type: single nucleotide variant.
Coding change: c.859G>T on transcript NM_001002294.3 (MANE Select); coding-DNA position 859, G replaced by T.
Protein change: p.Glu287Ter; replaces glutamic acid 287 with a stop codon.
Molecular consequence: nonsense.
Genome position (GRCh38, 1-based): chr1:171,114,038, G>T. VCF-style: chr1-171114038-G-T. GRCh37 (hg19) VCF-style: chr1-171083178-G-T.
Other names: c.799G>T, p.Glu267Ter (NM_001319173.2); c.670G>T, p.Glu224Ter (NM_001319174.2); c.859G>T, p.Glu287Ter (NM_006894.6); short protein forms E287*, E267*, E224*.
Identifiers: ClinVar variation 379574 (VCV000379574.4), dbSNP rs1057520649, ClinGen allele CA16603456.

ClinVar aggregate classification (germline): Pathogenic/Likely pathogenic. Review status: criteria provided, multiple submitters, no conflicts (2 of 4 stars). 3 submissions from 3 submitters: Pathogenic (2); Likely pathogenic (1). Last evaluated 2024-10-09.

Conditions:
Trimethylaminuria (TMAU). Also called: Primary Trimethylaminuria; Fish malodor syndrome; Stale fish syndrome; TMAuria; FISH-ODOR SYNDROME. Identifiers: MedGen C0342739, MONDO:0011182, OMIM 602079, HP:0003614. Disease mechanism: loss of function.

Allele frequency attached by ClinVar (database versions not stated): gnomAD exomes below 0.00001.

Submissions (3):

Myriad Genetics, Inc.
Classification: Pathogenic for Trimethylaminuria. Last evaluated: 2024-10-09. Review status: criteria provided, single submitter. Criteria: Myriad Autosomal Dominant, Autosomal Recessive and X-Linked Classification Criteria (2023). Collection method: clinical testing. Allele origin: unknown.
Comment: NM_001002294.2(FMO3):c.859G>T(E287*) is expected to be pathogenic in the context of primary trimethylaminuria. This variant is predicted to lead to an abnormal or absent protein product due to the creation of a premature termination codon in FMO3, a gene where loss-of-function variants are known to be pathogenic. Please note: this variant was assessed in the context of healthy population screening.

Fulgent Genetics
Classification: Likely pathogenic for Trimethylaminuria. Last evaluated: 2024-04-08. Review status: criteria provided, single submitter. Criteria: ACMG Guidelines, 2015. Collection method: clinical testing. Allele origin: germline.

GeneDx
Classification: Pathogenic. Last evaluated: 2017-10-05. Review status: criteria provided, single submitter. Criteria: GeneDx Variant Classification (06012015). Collection method: clinical testing. Allele origin: germline. Affected: yes.
Comment: The E287X variant in the FMO3 gene has not been published as a pathogenic variant, nor has it been reported as a benign variant to our knowledge. The E287X variant is not observed in large population cohorts (Lek et al., 2016). This variant is predicted to cause loss of normal protein function either through protein truncation or nonsense-mediated mRNA decay. We interpret E287X as a pathogenic variant.